The following is an entry in ClinVar:

NM_020919.4(ALS2):c.3939A>C (p.Glu1313Asp)

Gene: ALS2 (alsin Rho guanine nucleotide exchange factor ALS2; minus strand). Cytogenetic location: 2q33.1.
Variant type: single nucleotide variant.
Coding change: c.3939A>C on transcript NM_020919.4 (MANE Select); coding-DNA position 3939, A replaced by C.
Protein change: p.Glu1313Asp; replaces glutamic acid 1313 with aspartic acid.
Molecular consequence: missense variant.
Genome position (GRCh38, 1-based): chr2:201,715,737, T>G on the plus strand (A>C on the coding strand, the complement: ALS2 is on the minus strand). VCF-style: chr2-201715737-T-G. GRCh37 (hg19) VCF-style: chr2-202580460-T-G.
Other names: short protein forms E1313D.
Identifiers: ClinVar variation 432588 (VCV000432588.5), dbSNP rs781519422, ClinGen allele CA350317243.

ClinVar aggregate classification (germline): Uncertain significance. Review status: criteria provided, multiple submitters, no conflicts (2 of 4 stars). 2 submissions from 2 submitters: Uncertain significance (2). Last evaluated 2023-10-11.

Conditions:
Infantile-onset ascending hereditary spastic paralysis (IAHSP). Also called: Infantile-Onset Ascending Hereditary Spastic Paralysis (IAHSP); Autosomal Recessive Juvenile Amyotrophic Lateral Sclerosis. Identifiers: Orphanet 293168, MedGen C2931441, MONDO:0011797, OMIM 607225. Disease mechanism: loss of function.

Submissions (2):

Labcorp Genetics (formerly Invitae), Labcorp
Classification: Uncertain significance for Infantile-onset ascending hereditary spastic paralysis. Last evaluated: 2023-10-11. Review status: criteria provided, single submitter. Criteria: Invitae Variant Classification Sherloc (09022015). Collection method: clinical testing. Allele origin: germline.
Comment: This sequence change replaces glutamic acid, which is acidic and polar, with aspartic acid, which is acidic and polar, at codon 1313 of the ALS2 protein (p.Glu1313Asp). This variant is not present in population databases (gnomAD no frequency). This variant has not been reported in the literature in individuals affected with ALS2-related conditions. ClinVar contains an entry for this variant (Variation ID: 432588). Advanced modeling of protein sequence and biophysical properties (such as structural, functional, and spatial information, amino acid conservation, physicochemical variation, residue mobility, and thermodynamic stability) performed at Invitae indicates that this missense variant is not expected to disrupt ALS2 protein function. In summary, the available evidence is currently insufficient to determine the role of this variant in disease. Therefore, it has been classified as a Variant of Uncertain Significance.

GeneDx
Classification: Uncertain significance. Last evaluated: 2018-10-04. Review status: criteria provided, single submitter. Criteria: GeneDx Variant Classification (06012015). Collection method: clinical testing. Allele origin: germline. Affected: yes.
Comment: The E1313D variant in the ALS2 gene has not been reported previously as a pathogenic variant, nor as a benign variant, to our knowledge. The E1313D variant is not observed in large population cohorts (Lek et al., 2016; 1000 Genomes Consortium et al., 2015; Exome Variant Server). The E1313D variant is a conservative amino acid substitution, which occurs at a position that is not conserved. In silico analysis is inconsistent in its predictions as to whether or not the variant is damaging to the protein structure/function. We interpret E1313D as a variant of uncertain significance.